The following is an entry in ClinVar:

NM_018127.7(ELAC2):c.1908G>A (p.Glu636=)

Gene: ELAC2 (elaC ribonuclease Z 2; minus strand). Cytogenetic location: 17p12.
Variant type: single nucleotide variant.
Coding change: c.1908G>A on transcript NM_018127.7 (MANE Select); coding-DNA position 1908, G replaced by A.
Protein change: p.Glu636=; no amino-acid change (glutamic acid 636 retained).
Molecular consequence: synonymous variant.
Genome position (GRCh38, 1-based): chr17:12,994,963, C>T on the plus strand (G>A on the coding strand, the complement: ELAC2 is on the minus strand). VCF-style: chr17-12994963-C-T. GRCh37 (hg19) VCF-style: chr17-12898280-C-T.
Other names: c.1788G>A, p.Glu596= (NM_001165962.2); c.1905G>A, p.Glu635= (NM_173717.2).
Identifiers: ClinVar variation 2160307 (VCV002160307.4), dbSNP rs1418656704, ClinGen allele CA498010245.

ClinVar aggregate classification (germline): Uncertain significance (1 of 4 stars; one submission).

Conditions:
Combined oxidative phosphorylation defect type 17. Also called: Combined oxidative phosphorylation deficiency 17. Identifiers: Orphanet 369913, MedGen C3809526, MONDO:0014190, OMIM 615440.

Allele frequency attached by ClinVar (database versions not stated): TOPMed below 0.00001.

Submission:

Labcorp Genetics (formerly Invitae), Labcorp
Classification: Uncertain significance for Combined oxidative phosphorylation defect type 17. Last evaluated: 2022-05-09. Review status: criteria provided, single submitter. Criteria: Invitae Variant Classification Sherloc (09022015). Collection method: clinical testing. Allele origin: germline.
Comment: In summary, the available evidence is currently insufficient to determine the role of this variant in disease. Therefore, it has been classified as a Variant of Uncertain Significance. Variants that disrupt the consensus splice site are a relatively common cause of aberrant splicing (PMID: 17576681, 9536098). Algorithms developed to predict the effect of sequence changes on RNA splicing suggest that this variant may disrupt the consensus splice site. This variant has not been reported in the literature in individuals affected with ELAC2-related conditions. This variant is not present in population databases (gnomAD no frequency). This sequence change affects codon 636 of the ELAC2 mRNA. It is a 'silent' change, meaning that it does not change the encoded amino acid sequence of the ELAC2 protein. This variant also falls at the last nucleotide of exon 20, which is part of the consensus splice site for this exon.

Literature cited by the submitters: PubMed 17576681; PubMed 9536098.